The following is an entry in ClinVar:

NM_003412.4(ZIC1):c.1097T>A (p.Met366Lys)

Gene: ZIC1 (Zic family zinc finger 1; plus strand). Cytogenetic location: 3q24.
Variant type: single nucleotide variant.
Coding change: c.1097T>A on transcript NM_003412.4 (MANE Select); coding-DNA position 1097, T replaced by A.
Protein change: p.Met366Lys; replaces methionine 366 with lysine.
Molecular consequence: missense variant.
Genome position (GRCh38, 1-based): chr3:147,412,632, T>A. VCF-style: chr3-147412632-T-A. GRCh37 (hg19) VCF-style: chr3-147130419-T-A.
Other names: short protein forms M366K.
Identifiers: ClinVar variation 1333899 (VCV001333899.6), dbSNP rs1189648689, ClinGen allele CA354898225.

ClinVar aggregate classification (germline): Uncertain significance. Review status: criteria provided, multiple submitters, no conflicts (2 of 4 stars). 4 submissions from 4 submitters: Uncertain significance (4). Last evaluated 2024-10-23.

Conditions:
Craniosynostosis 6 (CRS6). Identifiers: Orphanet 672985, MedGen C4225269, MONDO:0014705, OMIM 616602.

Allele frequency attached by ClinVar (database versions not stated): gnomAD exomes below 0.00001; TOPMed below 0.00001; gnomAD 0.00001.
gnomAD v4.1: 2 of 1,614,236 alleles (0.00012%); highest among the groups gnomAD compares: Admixed American, 0.0033%; no homozygotes.

Submissions (4):

GeneDx
Classification: Uncertain significance. Last evaluated: 2024-10-23. Review status: criteria provided, single submitter. Criteria: GeneDx Variant Classification Process June 2021. Collection method: clinical testing. Allele origin: germline. Affected: yes.
Comment: Not observed at significant frequency in large population cohorts (gnomAD); In silico analysis supports that this missense variant has a deleterious effect on protein structure/function; Has not been previously published as pathogenic or benign to our knowledge

Labcorp Genetics (formerly Invitae), Labcorp
Classification: Uncertain significance. Last evaluated: 2024-01-31. Review status: criteria provided, single submitter. Criteria: Invitae Variant Classification Sherloc (09022015). Collection method: clinical testing. Allele origin: germline.
Comment: This sequence change replaces methionine, which is neutral and non-polar, with lysine, which is basic and polar, at codon 366 of the ZIC1 protein (p.Met366Lys). This variant is present in population databases (no rsID available, gnomAD 0.003%). This variant has not been reported in the literature in individuals affected with ZIC1-related conditions. ClinVar contains an entry for this variant (Variation ID: 1333899). Advanced modeling of protein sequence and biophysical properties (such as structural, functional, and spatial information, amino acid conservation, physicochemical variation, residue mobility, and thermodynamic stability) performed at Invitae indicates that this missense variant is not expected to disrupt ZIC1 protein function with a negative predictive value of 80%. In summary, the available evidence is currently insufficient to determine the role of this variant in disease. Therefore, it has been classified as a Variant of Uncertain Significance.

Women's Health and Genetics/Laboratory Corporation of America, LabCorp
Classification: Uncertain significance. Last evaluated: 2023-09-07. Review status: criteria provided, single submitter. Criteria: LabCorp Variant Classification Summary - May 2015. Collection method: clinical testing. Allele origin: germline.
Comment: Variant summary: ZIC1 c.1097T>A (p.Met366Lys) results in a non-conservative amino acid change located in the zinc finger C2H2-type domain of the encoded protein sequence. Three of five in-silico tools predict a damaging effect of the variant on protein function. The variant allele was found at a frequency of 4e-06 in 251480 control chromosomes (gnomAD). The available data on variant occurrences in the general population are insufficient to allow any conclusion about variant significance. To our knowledge, no occurrence of c.1097T>A in individuals affected with Structural Brain Anomalies With Impaired Intellectual Development And Craniosynostosis and no experimental evidence demonstrating its impact on protein function have been reported. One submitter has cited a clinical-significance assessment for this variant to ClinVar after 2014 and has classified the variant as uncertain significance. Based on the evidence outlined above, the variant was classified as uncertain significance.

CENTOGENE GmbH and LLC - Guiding Precision Medicine
Classification: Uncertain significance for Craniosynostosis 6. Last evaluated: 2019-08-20. Review status: criteria provided, single submitter. Criteria: ACMG Guidelines, 2015. Collection method: clinical testing. Allele origin: germline. Affected: yes.